The following is an entry in ClinVar:

NM_000921.5(PDE3A):c.295G>A (p.Glu99Lys)

Genes: PDE3A-AS1 (PDE3A antisense RNA 1; minus strand), PDE3A (phosphodiesterase 3A; plus strand), LOC124625920 (Sharpr-MPRA regulatory region 8059; plus strand). Cytogenetic location: 12p12.2.
Variant type: single nucleotide variant.
Coding change: c.295G>A on transcript NM_000921.5 (MANE Select); coding-DNA position 295, G replaced by A.
Protein change: p.Glu99Lys; replaces glutamic acid 99 with lysine.
Molecular consequence: missense variant. On other transcripts: 5 prime UTR variant (1).
Genome position (GRCh38, 1-based): chr12:20,369,579, G>A. VCF-style: chr12-20369579-G-A. GRCh37 (hg19) VCF-style: chr12-20522513-G-A.
Other names: c.295G>A, p.Glu99Lys (NM_001378407.1); c.-734G>A (NM_001378408.1); short protein forms E99K.
Identifiers: ClinVar variation 3605350 (VCV003605350.2).

ClinVar aggregate classification (germline): Uncertain significance (1 of 4 stars; one submission).

gnomAD v4.1: 24 of 1,555,824 alleles (0.0015%); highest among the groups gnomAD compares: East Asian, 0.0024%; no homozygotes.

Submission:

Labcorp Genetics (formerly Invitae), Labcorp
Classification: Uncertain significance. Last evaluated: 2024-06-15. Review status: criteria provided, single submitter. Criteria: Invitae Variant Classification Sherloc (09022015). Collection method: clinical testing. Allele origin: germline.
Comment: This sequence change replaces glutamic acid, which is acidic and polar, with lysine, which is basic and polar, at codon 99 of the PDE3A protein (p.Glu99Lys). This variant is present in population databases (rs764221986, gnomAD 0.008%). This variant has not been reported in the literature in individuals affected with PDE3A-related conditions. An algorithm developed to predict the effect of missense changes on protein structure and function (PolyPhen-2) suggests that this variant is likely to be tolerated. In summary, the available evidence is currently insufficient to determine the role of this variant in disease. Therefore, it has been classified as a Variant of Uncertain Significance.